The following is an entry in ClinVar:

NM_001211.6(BUB1B):c.1705T>G (p.Ser569Ala)

Gene: BUB1B (BUB1 mitotic checkpoint serine/threonine kinase B; plus strand). Cytogenetic location: 15q15.1.
Variant type: single nucleotide variant.
Coding change: c.1705T>G on transcript NM_001211.6 (MANE Select); coding-DNA position 1705, T replaced by G.
Protein change: p.Ser569Ala; replaces serine 569 with alanine.
Molecular consequence: missense variant.
Genome position (GRCh38, 1-based): chr15:40,202,665, T>G. VCF-style: chr15-40202665-T-G. GRCh37 (hg19) VCF-style: chr15-40494866-T-G.
Other names: short protein forms S569A.
Identifiers: ClinVar variation 1778444 (VCV001778444.3), dbSNP rs2037588512, ClinGen allele CA391691685.

ClinVar aggregate classification (germline): Uncertain significance (1 of 4 stars; one submission).

Conditions:
Inborn genetic diseases. Identifiers: MedGen C0950123, MeSH D030342.

Submission:

Ambry Genetics
Classification: Uncertain significance for Inborn genetic diseases. Last evaluated: 2024-06-14. Review status: criteria provided, single submitter. Criteria: Ambry Variant Classification Scheme 2023. Collection method: clinical testing. Allele origin: germline.
Comment: The p.S569A variant (also known as c.1705T>G), located in coding exon 14 of the BUB1B gene, results from a T to G substitution at nucleotide position 1705. The serine at codon 569 is replaced by alanine, an amino acid with similar properties. This amino acid position is conserved. In addition, this alteration is predicted to be tolerated by in silico analysis. Since supporting evidence is limited at this time, the clinical significance of this alteration remains unclear.